The following is an entry in ClinVar:

NM_005461.5(MAFB):c.246C>G (p.Leu82=)

Gene: MAFB (MAF bZIP transcription factor B; minus strand). Cytogenetic location: 20q12.
Variant type: single nucleotide variant.
Coding change: c.246C>G on transcript NM_005461.5 (MANE Select); coding-DNA position 246, C replaced by G.
Protein change: p.Leu82=; no amino-acid change (leucine 82 retained).
Molecular consequence: synonymous variant.
Genome position (GRCh38, 1-based): chr20:40,688,605, G>C on the plus strand (C>G on the coding strand, the complement: MAFB is on the minus strand). VCF-style: chr20-40688605-G-C. GRCh37 (hg19) VCF-style: chr20-39317245-G-C.
Identifiers: ClinVar variation 3049575 (VCV003049575.2), dbSNP rs1338524617, ClinGen allele CA510757893.

ClinVar aggregate classification (germline): Likely benign (0 of 4 stars; one submission).

Conditions:
MAFB-related disorder. Also called: MAFB-related condition.

Allele frequency attached by ClinVar (database versions not stated): gnomAD exomes below 0.00001.
gnomAD v4.1: 1 of 1,614,096 alleles (0.000062%); highest among the groups gnomAD compares: African/African-American, 0.0013%; no homozygotes.

Submission:

PreventionGenetics, part of Exact Sciences
Classification: Likely benign for MAFB-related condition. Last evaluated: 2023-04-19. Review status: no assertion criteria provided. Collection method: clinical testing. Allele origin: germline.
Comment: This variant is classified as likely benign based on ACMG/AMP sequence variant interpretation guidelines (Richards et al. 2015 PMID: 25741868, with internal and published modifications).